The following is an entry in ClinVar:

NM_015910.7(WDPCP):c.1813-3C>T

Gene: WDPCP (WD repeat containing planar cell polarity effector; minus strand). Cytogenetic location: 2p15.
Variant type: single nucleotide variant.
Coding change: c.1813-3C>T on transcript NM_015910.7 (MANE Select); 3 bases into the intron before coding-DNA position 1813, C replaced by T.
Molecular consequence: intron variant.
Genome position (GRCh38, 1-based): chr2:63,259,412, G>A on the plus strand (C>T on the coding strand, the complement: WDPCP is on the minus strand). VCF-style: chr2-63259412-G-A. GRCh37 (hg19) VCF-style: chr2-63486547-G-A.
Other names: c.1741-3C>T (NM_001354044.2); c.1336-3C>T (NM_001042692.3).
Identifiers: ClinVar variation 857802 (VCV000857802.11), dbSNP rs772639117, ClinGen allele CA1682089.

ClinVar aggregate classification (germline): Uncertain significance. Review status: criteria provided, single submitter (1 of 4 stars). 2 submissions from 2 submitters: Uncertain significance (1). 1 of the submissions does not count toward it. Last evaluated 2019-12-05.

Conditions:
WDPCP-related disorder. Also called: WDPCP-related condition.
Bardet-Biedl syndrome (BBS). Identifiers: Orphanet 110, MedGen C0752166, MONDO:0015229.

Allele frequency attached by ClinVar (database versions not stated): gnomAD below 0.00001 and 0.00004; gnomAD exomes 0.00003 and 0.00005; ExAC 0.00007.
gnomAD v4.1: 52 of 1,607,986 alleles (0.0032%); highest among the groups gnomAD compares: South Asian, 0.053%; 2 homozygotes.

Submissions (2):

Labcorp Genetics (formerly Invitae), Labcorp
Classification: Uncertain significance for Bardet-Biedl syndrome. Last evaluated: 2019-12-05. Review status: criteria provided, single submitter. Criteria: Invitae Variant Classification Sherloc (09022015). Collection method: clinical testing. Allele origin: germline.
Comment: In summary, the available evidence is currently insufficient to determine the role of this variant in disease. Therefore, it has been classified as a Variant of Uncertain Significance. Nucleotide substitutions within the consensus splice site are a relatively common cause of aberrant splicing (PMID: 17576681, 9536098). Algorithms developed to predict the effect of sequence changes on RNA splicing suggest that this variant is not likely to affect RNA splicing, but this prediction has not been confirmed by published transcriptional studies. This variant has not been reported in the literature in individuals with WDPCP-related conditions. This variant is present in population databases (rs772639117, ExAC 0.04%). This sequence change falls in intron 13 of the WDPCP gene. It does not directly change the encoded amino acid sequence of the WDPCP protein, but it affects a nucleotide within the consensus splice site of the intron.

PreventionGenetics, part of Exact Sciences
Classification: Likely benign for WDPCP-related condition. Last evaluated: 2023-03-09. Review status: no assertion criteria provided. Collection method: clinical testing. Allele origin: germline. Not counted in ClinVar's aggregate classification.
Comment: This variant is classified as likely benign based on ACMG/AMP sequence variant interpretation guidelines (Richards et al. 2015 PMID: 25741868, with internal and published modifications).

Literature cited by the submitters: PubMed 17576681 (cited by Labcorp Genetics (formerly Invitae), Labcorp); PubMed 9536098 (cited by Labcorp Genetics (formerly Invitae), Labcorp).